The following is an entry in ClinVar:

NM_003873.7(NRP1):c.1092C>T (p.Ser364=)

Gene: NRP1 (neuropilin 1; minus strand). Cytogenetic location: 10p11.22.
Variant type: single nucleotide variant.
Coding change: c.1092C>T on transcript NM_003873.7 (MANE Select); coding-DNA position 1092, C replaced by T.
Protein change: p.Ser364=; no amino-acid change (serine 364 retained).
Molecular consequence: synonymous variant. On other transcripts: non-coding transcript variant (1).
Genome position (GRCh38, 1-based): chr10:33,226,179, G>A on the plus strand (C>T on the coding strand, the complement: NRP1 is on the minus strand). VCF-style: chr10-33226179-G-A. GRCh37 (hg19) VCF-style: chr10-33515107-G-A.
Other names: c.1092C>T, p.Ser364= (NM_001024628.3, NM_001024629.3, NM_001244972.2 and 2 more transcripts).
Identifiers: ClinVar variation 4987356 (VCV004987356.1).
Genomic context (GRCh38, chr10:33,226,179, plus strand): 5'-GGCAGCCTAACTTACAACAGGTTTGTTTCCTTCTTTTATGGTGATCCAGTCTTCCCCGTT[G>A]GAGCTAACGTCGATCTTGTAAGTCTTGACATAATATTTCTTCTTGGTTTCTTTTGAAATG-3'
Protein context (NP_003864.5, residues 354-374): YVKTYKIDVS[Ser364=]NGEDWITIKE

ClinVar aggregate classification (germline): Likely benign (1 of 4 stars; one submission).

Conditions:
NRP1-related disorder. Also called: NRP1-related condition.

gnomAD v4.1: 1 of 1,614,180 alleles (0.000062%); highest among the groups gnomAD compares: Admixed American, 0.0017%; no homozygotes.

Submission:

PreventionGenetics, part of Exact Sciences
Classification: Likely benign for NRP1-related condition. Last evaluated: 2025-12-16. Review status: criteria provided, single submitter. Criteria: ACMG Guidelines, 2015. Collection method: clinical testing. Allele origin: germline.
Comment: This variant is classified as likely benign based on ACMG/AMP sequence variant interpretation guidelines (Richards et al. 2015 PMID: 25741868, with internal and published modifications).